The following is an entry in ClinVar:

ClinVar aggregate classification (germline): Uncertain significance (1 of 4 stars; one submission).

Conditions:
Pyogenic arthritis-pyoderma gangrenosum-acne syndrome (PAPA). Also called: FAMILIAL RECURRENT ARTHRITIS; PAPA SYNDROME. Identifiers: Orphanet 69126, MedGen C1858361, MONDO:0011462, OMIM 604416.

gnomAD v4.1: 1 of 1,613,030 alleles (0.000062%); highest among the groups gnomAD compares: Non-Finnish European, 0.000085%; no homozygotes.

Submission:

Labcorp Genetics (formerly Invitae), Labcorp
Classification: Uncertain significance for Pyogenic arthritis-pyoderma gangrenosum-acne syndrome. Last evaluated: 2019-08-22. Review status: criteria provided, single submitter. Criteria: Invitae Variant Classification Sherloc (09022015). Collection method: clinical testing. Allele origin: germline.
Comment: In summary, the available evidence is currently insufficient to determine the role of this variant in disease. Therefore, it has been classified as a Variant of Uncertain Significance. Algorithms developed to predict the effect of missense changes on protein structure and function (SIFT, PolyPhen-2, Align-GVGD) all suggest that this variant is likely to be disruptive, but these predictions have not been confirmed by published functional studies and their clinical significance is uncertain. This variant has not been reported in the literature in individuals with PSTPIP1-related conditions. This variant is not present in population databases (ExAC no frequency). This sequence change replaces arginine with leucine at codon 228 of the PSTPIP1 protein (p.Arg228Leu). The arginine residue is highly conserved and there is a moderate physicochemical difference between arginine and leucine.

NM_003978.5(PSTPIP1):c.683G>T (p.Arg228Leu)

Gene: PSTPIP1 (proline-serine-threonine phosphatase interacting protein 1; plus strand). Cytogenetic location: 15q24.3.
Variant type: single nucleotide variant.
Coding change: c.683G>T on transcript NM_003978.5 (MANE Select); coding-DNA position 683, G replaced by T.
Protein change: p.Arg228Leu; replaces arginine 228 with leucine.
Molecular consequence: missense variant. On other transcripts: non-coding transcript variant (1).
Genome position (GRCh38, 1-based): chr15:77,031,220, G>T. VCF-style: chr15-77031220-G-T. GRCh37 (hg19) VCF-style: chr15-77323561-G-T.
Other names: c.683G>T, p.Arg228Leu (NM_001321135.2); c.656G>T, p.Arg219Leu (NM_001321136.2); c.878G>T, p.Arg293Leu (NM_001321137.1); short protein forms R228L, R219L, R293L.
Identifiers: ClinVar variation 940429 (VCV000940429.9), dbSNP rs1386762740, ClinGen allele CA393520891.